The following is an entry in ClinVar:

NM_001267550.2(TTN):c.83159C>T (p.Ala27720Val)

Genes: TTN (titin; minus strand), TTN-AS1 (TTN antisense RNA 1; plus strand). Cytogenetic location: 2q31.2.
Variant type: single nucleotide variant.
Coding change: c.83159C>T on transcript NM_001267550.2 (MANE Select); coding-DNA position 83159, C replaced by T.
Protein change: p.Ala27720Val; replaces alanine 27720 with valine.
Molecular consequence: missense variant.
Genome position (GRCh38, 1-based): chr2:178,562,973, G>A on the plus strand (C>T on the coding strand, the complement: TTN is on the minus strand). VCF-style: chr2-178562973-G-A. GRCh37 (hg19) VCF-style: chr2-179427700-G-A.
Other names: c.78236C>T, p.Ala26079Val (NM_001256850.1); c.55964C>T, p.Ala18655Val (NM_003319.4); c.75455C>T, p.Ala25152Val (NM_133378.4); c.56339C>T, p.Ala18780Val (NM_133432.3); c.56540C>T, p.Ala18847Val (NM_133437.4); short protein forms A18655V, A18780V, A18847V, A25152V, A26079V, A27720V.
Identifiers: ClinVar variation 1708733 (VCV001708733.2), dbSNP rs753972441, ClinGen allele CA60986568.
Genomic context (GRCh38, chr2:178,562,973, plus strand): 5'-TCAAATCTGGTAACATTATCAATCACCAACATTGTAAATGAGCTGGTCACCTCTATCTGA[G>A]CCCTGTCAGTGAGAATGCCTTCTGCCTTTTCCCATTTAACTTCGGGTTCTGGTCGACCTT-3'
Protein context (NP_001254479.2, residues 27710-27730): EKAEGILTDR[Ala27720Val]QIEVTSSFTM

ClinVar aggregate classification (germline): Uncertain significance (1 of 4 stars; one submission).

Allele frequency attached by ClinVar (database versions not stated): gnomAD exomes below 0.00001; TOPMed below 0.00001.

Submission:

GeneDx
Classification: Uncertain significance. Last evaluated: 2022-04-06. Review status: criteria provided, single submitter. Criteria: GeneDx Variant Classification Process June 2021. Collection method: clinical testing. Allele origin: germline. Affected: yes.
Comment: Not observed at significant frequency in large population cohorts (gnomAD); Missense variant in a gene in which most reported pathogenic variants are truncating/loss of function; Has not been previously published as pathogenic or benign to our knowledge; This variant is associated with the following publications: (PMID: 23975875)